The following is an entry in ClinVar:

ClinVar aggregate classification (germline): Uncertain significance (1 of 4 stars; one submission).

Conditions:
Hereditary cancer-predisposing syndrome. Also called: Tumor predisposition; Hereditary Cancer Syndrome; Neoplastic Syndromes, Hereditary; Hereditary neoplastic syndrome. Identifiers: Orphanet 140162, MedGen C0027672, MeSH D009386, MONDO:0015356.

Submission:

Ambry Genetics
Classification: Uncertain significance for Hereditary cancer-predisposing syndrome. Last evaluated: 2019-08-27. Review status: criteria provided, single submitter. Criteria: Ambry Variant Classification Scheme 2023. Collection method: clinical testing. Allele origin: germline.
Comment: The p.G871R variant (also known as c.2611G>C), located in coding exon 15 of the APC gene, results from a G to C substitution at nucleotide position 2611. The glycine at codon 871 is replaced by arginine, an amino acid with dissimilar properties. This amino acid position is highly conserved through mammals but not in all available vertebrate species. In addition, in silico predictors for this gene do not accurately predict pathogenicity. Since supporting evidence is limited at this time, the clinical significance of this alteration remains unclear.

NM_000038.6(APC):c.2611G>C (p.Gly871Arg)

Gene: APC (APC regulator of Wnt signaling pathway; plus strand). Cytogenetic location: 5q22.2.
Variant type: single nucleotide variant.
Coding change: c.2611G>C on transcript NM_000038.6 (MANE Select); coding-DNA position 2611, G replaced by C.
Protein change: p.Gly871Arg; replaces glycine 871 with arginine.
Molecular consequence: missense variant.
Genome position (GRCh38, 1-based): chr5:112,838,205, G>C. VCF-style: chr5-112838205-G-C. GRCh37 (hg19) VCF-style: chr5-112173902-G-C.
Other names: c.2611G>C, p.Gly871Arg (NM_001127510.3, NM_001354895.2); c.2557G>C, p.Gly853Arg (NM_001127511.3); c.2665G>C, p.Gly889Arg (NM_001354896.2); c.2641G>C, p.Gly881Arg (NM_001354897.2); c.2536G>C, p.Gly846Arg (NM_001354898.2); c.2527G>C, p.Gly843Arg (NM_001354899.2); c.2488G>C, p.Gly830Arg (NM_001354900.2); c.2434G>C, p.Gly812Arg (NM_001354901.2); and 5 more; short protein forms G588R, G711R, G812R, G881R, G830R, G770R, G846R, G853R.
Identifiers: ClinVar variation 821570 (VCV000821570.4), dbSNP rs1554084297, ClinGen allele CA16027046.
Genomic context (GRCh38, chr5:112,838,205, plus strand): 5'-AGTTTGGAGAGAGAACGCGGAATTGGTCTAGGCAACTACCATCCAGCAACAGAAAATCCA[G>C]GAACTTCTTCAAAGCGAGGTTTGCAGATCTCCACCACTGCAGCCCAGATTGCCAAAGTCA-3'
Protein context (NP_000029.2, residues 861-881): GNYHPATENP[Gly871Arg]TSSKRGLQIS